The following is an entry in ClinVar:

NM_206933.4(USH2A):c.13148A>C (p.Asn4383Thr)

Gene: USH2A (usherin; minus strand). Cytogenetic location: 1q41.
Variant type: single nucleotide variant.
Coding change: c.13148A>C on transcript NM_206933.4 (MANE Select); coding-DNA position 13148, A replaced by C.
Protein change: p.Asn4383Thr; replaces asparagine 4383 with threonine.
Molecular consequence: missense variant.
Genome position (GRCh38, 1-based): chr1:215,674,763, T>G on the plus strand (A>C on the coding strand, the complement: USH2A is on the minus strand). VCF-style: chr1-215674763-T-G. GRCh37 (hg19) VCF-style: chr1-215848105-T-G.
Other names: short protein forms N4383T.
Identifiers: ClinVar variation 958048 (VCV000958048.10), dbSNP rs1418825414, ClinGen allele CA344846416.
Genomic context (GRCh38, chr1:215,674,763, plus strand): 5'-CCCTGGCCAGCAAGGGACTCTTTATTATCATATCTAACTAAATATTTAGTAATCTTTCCA[T>G]TTTGCACTGTGGGCGGTGACCAACATACATTCATTTGAGTGGCACTGACGGCCCAAAGAT-3'
Protein context (NP_996816.3, residues 4373-4393): NVCWSPPTVQ[Asn4383Thr]GKITKYLVRY

ClinVar aggregate classification (germline): Uncertain significance. Review status: criteria provided, single submitter (1 of 4 stars). 2 submissions from 2 submitters: Uncertain significance (1). 1 of the submissions does not count toward it. Last evaluated 2023-10-03.

Conditions:
Usher syndrome type 2A. Also called: RETINAL DISEASE IN USHER SYNDROME TYPE IIA, MODIFIER OF; USHER SYNDROME, TYPE IIA. Identifiers: Orphanet 231178, Orphanet 886, MedGen C1848634, MONDO:0010169, OMIM 276901.

Allele frequency attached by ClinVar (database versions not stated): TOPMed below 0.00001; gnomAD 0.00001.
gnomAD v4.1: 5 of 1,614,008 alleles (0.00031%); highest among the groups gnomAD compares: Non-Finnish European, 0.00042%; no homozygotes.

Submissions (2):

Labcorp Genetics (formerly Invitae), Labcorp
Classification: Uncertain significance. Last evaluated: 2023-10-03. Review status: criteria provided, single submitter. Criteria: Invitae Variant Classification Sherloc (09022015). Collection method: clinical testing. Allele origin: germline.
Comment: This sequence change replaces asparagine, which is neutral and polar, with threonine, which is neutral and polar, at codon 4383 of the USH2A protein (p.Asn4383Thr). This variant is not present in population databases (gnomAD no frequency). This variant has not been reported in the literature in individuals affected with USH2A-related conditions. ClinVar contains an entry for this variant (Variation ID: 958048). Advanced modeling of protein sequence and biophysical properties (such as structural, functional, and spatial information, amino acid conservation, physicochemical variation, residue mobility, and thermodynamic stability) has been performed at Invitae for this missense variant, however the output from this modeling did not meet the statistical confidence thresholds required to predict the impact of this variant on USH2A protein function. In summary, the available evidence is currently insufficient to determine the role of this variant in disease. Therefore, it has been classified as a Variant of Uncertain Significance.

Natera, Inc.
Classification: Uncertain significance for Usher syndrome type 2A. Last evaluated: 2020-08-07. Review status: no assertion criteria provided. Collection method: clinical testing. Allele origin: germline. Not counted in ClinVar's aggregate classification.